The following is an entry in ClinVar:

NM_025215.6(PUS1):c.837_838del (p.Ala280fs)

Gene: PUS1 (pseudouridine synthase 1; plus strand). Cytogenetic location: 12q24.33.
Variant type: Deletion.
Coding change: c.837_838del on transcript NM_025215.6 (MANE Select); coding-DNA positions 837 to 838, 2 bases deleted (TG; older notation c.837_838delTG).
Protein change: p.Ala280fs; shifts the reading frame from alanine 280.
Molecular consequence: frameshift variant.
Genome position (GRCh38, 1-based): chr12:131,941,584-131,941,585, TG deleted. VCF-style (leftmost placement, unchanged base first): chr12-131941583-TTG-T. GRCh37 (hg19) VCF-style: chr12-132426128-TTG-T.
Other names: c.753_754del, p.Ala252fs (NM_001002019.3, NM_001002020.3); c.837_838delTG (NM_025215.5); short protein forms A252fs, A280fs.
Identifiers: ClinVar variation 846145 (VCV000846145.8), dbSNP rs1207533798, ClinGen allele CA685468614.

ClinVar aggregate classification (germline): Pathogenic/Likely pathogenic. Review status: criteria provided, multiple submitters, no conflicts (2 of 4 stars). 2 submissions from 2 submitters: Pathogenic (1); Likely pathogenic (1). Last evaluated 2024-03-22.

Conditions:
Myopathy, lactic acidosis, and sideroblastic anemia. Also called: Mitochondrial myopathy and sideroblastic anemia; Myopathy with lactic acidosis and sideroblastic anemia. Identifiers: Orphanet 2598, MedGen C1838103, MONDO:0000863.

Allele frequency attached by ClinVar (database versions not stated): gnomAD 0.00001; TOPMed 0.00001.

Submissions (2):

Natera, Inc.
Classification: Likely pathogenic for Mitochondrial myopathy and sideroblastic anemia. Last evaluated: 2024-03-22. Review status: criteria provided, single submitter. Criteria: Natera Variant Classification Schema (03/2026). Collection method: clinical testing. Allele origin: germline.
Comment: The c.837_838delTG variant in PUS1 is a frameshift variant predicted to shift the reading frame beginning at codon 280 and leads to a stop codon 31 codons downstream. This variant is expected to result in nonsense mediated decay, truncation, or a dysfunctional protein product. This variant is rare in the general population with a frequency below the threshold expected for the associated phenotype(s). Given the available evidence, this variant is classified as Likely Pathogenic.

Labcorp Genetics (formerly Invitae), Labcorp
Classification: Pathogenic. Last evaluated: 2023-11-24. Review status: criteria provided, single submitter. Criteria: Invitae Variant Classification Sherloc (09022015). Collection method: clinical testing. Allele origin: germline.
Comment: This sequence change creates a premature translational stop signal (p.Ala280Glyfs*31) in the PUS1 gene. It is expected to result in an absent or disrupted protein product. Loss-of-function variants in PUS1 are known to be pathogenic (PMID: 17056637, 19731322, 25058219, 26556812). This variant is not present in population databases (gnomAD no frequency). This variant has not been reported in the literature in individuals affected with PUS1-related conditions. ClinVar contains an entry for this variant (Variation ID: 846145). For these reasons, this variant has been classified as Pathogenic.

Literature cited by the submitters: PubMed 17056637 (cited by Labcorp Genetics (formerly Invitae), Labcorp); PubMed 19731322 (cited by Labcorp Genetics (formerly Invitae), Labcorp); PubMed 25058219 (cited by Labcorp Genetics (formerly Invitae), Labcorp); PubMed 26556812 (cited by Labcorp Genetics (formerly Invitae), Labcorp).